The following is an entry in ClinVar:

NM_000038.6(APC):c.3815C>A (p.Ser1272Ter)

Gene: APC (APC regulator of Wnt signaling pathway; plus strand). Cytogenetic location: 5q22.2.
Variant type: single nucleotide variant.
Coding change: c.3815C>A on transcript NM_000038.6 (MANE Select); coding-DNA position 3815, C replaced by A.
Protein change: p.Ser1272Ter; replaces serine 1272 with a stop codon.
Molecular consequence: nonsense. On other transcripts: non-coding transcript variant (2).
Genome position (GRCh38, 1-based): chr5:112,839,409, C>A. VCF-style: chr5-112839409-C-A. GRCh37 (hg19) VCF-style: chr5-112175106-C-A.
Other names: c.3815C>A, p.Ser1272Ter (NM_001127510.3, NM_001354895.2, NM_001407450.1); c.3761C>A, p.Ser1254Ter (NM_001127511.3); c.3869C>A, p.Ser1290Ter (NM_001354896.2, NM_001407447.1, NM_001407448.1 and 1 more transcripts); c.3845C>A, p.Ser1282Ter (NM_001354897.2); c.3740C>A, p.Ser1247Ter (NM_001354898.2); c.3731C>A, p.Ser1244Ter (NM_001354899.2); c.3692C>A, p.Ser1231Ter (NM_001354900.2); c.3638C>A, p.Ser1213Ter (NM_001354901.2, NM_001407453.1); and 11 more; short protein forms S989*, S1112*, S1143*, S1146*, S1171*, S1181*, S1189*, S1213*.
Identifiers: ClinVar variation 2583968 (VCV002583968.2), dbSNP rs863225348, ClinGen allele CA16029702.
Genomic context (GRCh38, chr5:112,839,409, plus strand): 5'-CTTCTATTAACCAAGAAACAATACAGACTTATTGTGTAGAAGATACTCCAATATGTTTTT[C>A]AAGATGTAGTTCATTATCATCTTTGTCATCAGCTGAAGATGAAATAGGATGTAATCAGAC-3'

ClinVar aggregate classification (germline): Pathogenic (1 of 4 stars; one submission).

Conditions:
Familial adenomatous polyposis 1 (FAP1). Also called: FAMILIAL ADENOMATOUS POLYPOSIS 1, ATTENUATED; POLYPOSIS, ADENOMATOUS INTESTINAL. Identifiers: MedGen C2713442, MONDO:0021056, OMIM 175100. Disease mechanism: loss of function.

Submission:

Myriad Genetics, Inc.
Classification: Pathogenic for Familial adenomatous polyposis 1. Last evaluated: 2023-05-09. Review status: criteria provided, single submitter. Criteria: Myriad Autosomal Dominant, Autosomal Recessive and X-Linked Classification Criteria (2023). Collection method: clinical testing. Allele origin: unknown.
Comment: This variant is considered pathogenic. This variant creates a termination codon and is predicted to result in premature protein truncation.